The following is an entry in ClinVar:

NM_021072.4(HCN1):c.643A>G (p.Met215Val)

Gene: HCN1 (hyperpolarization activated cyclic nucleotide gated potassium channel 1; minus strand). Cytogenetic location: 5p12.
Variant type: single nucleotide variant.
Coding change: c.643A>G on transcript NM_021072.4 (MANE Select); coding-DNA position 643, A replaced by G.
Protein change: p.Met215Val; replaces methionine 215 with valine.
Molecular consequence: missense variant.
Genome position (GRCh38, 1-based): chr5:45,645,391, T>C on the plus strand (A>G on the coding strand, the complement: HCN1 is on the minus strand). VCF-style: chr5-45645391-T-C. GRCh37 (hg19) VCF-style: chr5-45645493-T-C.
Other names: short protein forms M215V.
Identifiers: ClinVar variation 1305309 (VCV001305309.8), dbSNP rs975527828, ClinGen allele CA118324608.

ClinVar aggregate classification (germline): Conflicting classifications of pathogenicity. Review status: criteria provided, conflicting classifications (1 of 4 stars). 3 submissions from 3 submitters: Uncertain significance (2); Likely benign (1). Last evaluated 2025-12-19.

Conditions:
Inborn genetic diseases. Identifiers: MedGen C0950123, MeSH D030342.
Early-infantile DEE. Also called: Ohtahara syndrome; Early infantile epileptic encephalopathy; Early infantile epileptic encephalopathy with suppression bursts. Identifiers: Orphanet 1934, MedGen C0393706, MONDO:0800491.

Allele frequency attached by ClinVar (database versions not stated): gnomAD exomes 0.00002.
gnomAD v4.1: 17 of 1,613,638 alleles (0.0011%); highest among the groups gnomAD compares: Non-Finnish European, 0.0013%; no homozygotes.

Submissions (3):

Labcorp Genetics (formerly Invitae), Labcorp
Classification: Likely benign for Early-infantile DEE. Last evaluated: 2025-12-19. Review status: criteria provided, single submitter. Criteria: Invitae Variant Classification Sherloc (09022015). Collection method: clinical testing. Allele origin: germline.

GeneDx
Classification: Uncertain significance. Last evaluated: 2020-11-12. Review status: criteria provided, single submitter. Criteria: GeneDx Variant Classification Process June 2021. Collection method: clinical testing. Allele origin: germline. Affected: yes.
Comment: Has not been previously published as pathogenic or benign to our knowledge; Not observed in large population cohorts (Lek et al., 2016); In silico analysis, which includes protein predictors and evolutionary conservation, supports that this variant does not alter protein structure/function; In silico analysis, which includes splice predictors and evolutionary conservation, suggests this variant may impact gene splicing. In the absence of RNA/functional studies, the actual effect of this sequence change is unknown.

Ambry Genetics
Classification: Uncertain significance for Inborn genetic diseases. Last evaluated: 2017-08-01. Review status: criteria provided, single submitter. Criteria: Ambry Variant Classification Scheme 2023. Collection method: clinical testing. Allele origin: germline.
Comment: The p.M215V variant (also known as c.643A>G), located in coding exon 2 of the HCN1 gene, results from an A to G substitution at nucleotide position 643. The methionine at codon 215 is replaced by valine, an amino acid with highly similar properties. This amino acid position is highly conserved through mammals but not in all available vertebrate species. In addition, the in silico prediction for this alteration is inconclusive. Since supporting evidence is limited at this time, the clinical significance of this alteration remains unclear.